The following is an entry in ClinVar:

NM_016169.4(SUFU):c.890C>G (p.Pro297Arg)

Gene: SUFU (SUFU negative regulator of hedgehog signaling; plus strand). Cytogenetic location: 10q24.32.
Variant type: single nucleotide variant.
Coding change: c.890C>G on transcript NM_016169.4 (MANE Select); coding-DNA position 890, C replaced by G.
Protein change: p.Pro297Arg; replaces proline 297 with arginine.
Molecular consequence: missense variant.
Genome position (GRCh38, 1-based): chr10:102,597,273, C>G. VCF-style: chr10-102597273-C-G. GRCh37 (hg19) VCF-style: chr10-104357030-C-G.
Other names: c.890C>G, p.Pro297Arg (NM_001178133.2); short protein forms P297R.
Identifiers: ClinVar variation 2943540 (VCV002943540.3), dbSNP rs1590066137, ClinGen allele CA377910843.

ClinVar aggregate classification (germline): Uncertain significance (1 of 4 stars; one submission).

Conditions:
Gorlin syndrome. Also called: Nevoid Basal Cell Carcinoma Syndrome; Basal cell nevus syndrome. Identifiers: Orphanet 377, MedGen C0004779, MONDO:0007187.
Medulloblastoma (MDB). Also called: MEDULLOBLASTOMA PREDISPOSITION SYNDROME; Medulloblastoma, somatic. Identifiers: Orphanet 616, MedGen C0025149, MeSH D008527, MONDO:0007959, OMIM 155255, HP:0002885.

Submission:

Labcorp Genetics (formerly Invitae), Labcorp
Classification: Uncertain significance for Gorlin syndrome; Medulloblastoma. Last evaluated: 2023-01-23. Review status: criteria provided, single submitter. Criteria: Invitae Variant Classification Sherloc (09022015). Collection method: clinical testing. Allele origin: germline.
Comment: This variant is not present in population databases (gnomAD no frequency). This sequence change replaces proline, which is neutral and non-polar, with arginine, which is basic and polar, at codon 297 of the SUFU protein (p.Pro297Arg). This variant has not been reported in the literature in individuals affected with SUFU-related conditions. In summary, the available evidence is currently insufficient to determine the role of this variant in disease. Therefore, it has been classified as a Variant of Uncertain Significance. Advanced modeling of protein sequence and biophysical properties (such as structural, functional, and spatial information, amino acid conservation, physicochemical variation, residue mobility, and thermodynamic stability) performed at Invitae indicates that this missense variant is not expected to disrupt SUFU protein function.